The following is an entry in ClinVar:

ClinVar aggregate classification (germline): Uncertain significance. Review status: criteria provided, multiple submitters, no conflicts (2 of 4 stars). 6 submissions from 5 submitters: Uncertain significance (6). Last evaluated 2025-05-12.

Conditions:
Autosomal dominant nocturnal frontal lobe epilepsy 5. Also called: KCNT1-Related Epilepsy; Epilepsy, nocturnal frontal lobe, 5; CILIARY DYSKINESIA, PRIMARY, 28, WITHOUT SITUS INVERSUS; CILIARY DYSKINESIA, PRIMARY, 28, WITH SITUS INVERSUS. Identifiers: Orphanet 98784, MedGen C3554306, MONDO:0014002, OMIM 615005.
Developmental and epileptic encephalopathy, 14 (DEE14). Also called: Early infantile epileptic encephalopathy 14. Identifiers: Orphanet 293181, MedGen C3554195, MONDO:0013989, OMIM 614959.

Allele frequency attached by ClinVar (database versions not stated): ExAC 0.00001; gnomAD 0.00001; gnomAD exomes 0.00001; TOPMed 0.00002.
gnomAD v4.1: 20 of 1,613,668 alleles (0.0012%); highest among the groups gnomAD compares: South Asian, 0.0022%; no homozygotes.

Submissions (6):

Labcorp Genetics (formerly Invitae), Labcorp
Classification: Uncertain significance for Autosomal dominant nocturnal frontal lobe epilepsy 5; Developmental and epileptic encephalopathy, 14. Last evaluated: 2025-05-12. Review status: criteria provided, single submitter. Criteria: Invitae Variant Classification Sherloc (09022015). Collection method: clinical testing. Allele origin: germline.
Comment: This sequence change replaces valine, which is neutral and non-polar, with isoleucine, which is neutral and non-polar, at codon 92 of the KCNT1 protein (p.Val92Ile). This variant is present in population databases (rs776233220, gnomAD 0.02%). This variant has not been reported in the literature in individuals affected with KCNT1-related conditions. ClinVar contains an entry for this variant (Variation ID: 804967). Invitae Evidence Modeling of protein sequence and biophysical properties (such as structural, functional, and spatial information, amino acid conservation, physicochemical variation, residue mobility, and thermodynamic stability) indicates that this missense variant is not expected to disrupt KCNT1 protein function with a negative predictive value of 80%. In summary, the available evidence is currently insufficient to determine the role of this variant in disease. Therefore, it has been classified as a Variant of Uncertain Significance.

Ozbek Human Genetics Laboratory, Izmir Biomedicine and Genome Center
Classification: Uncertain significance for Developmental and epileptic encephalopathy, 14. Last evaluated: 2025-04-07. Review status: criteria provided, single submitter. Criteria: ACMG Guidelines, 2015. Collection method: research. Allele origin: unknown. Affected: yes. Observed: 1 variant allele, 1 heterozygote.
Comment: A heterozygous missense variant, p.Val92Ile, was identified in exon 3 of the KCNT1 gene (NM_020822.3). This variant is observed at an extremely low frequency in population databases (PM2). Based on this evidence, the variant is classified as a Variant of Uncertain Significance (VUS) according to the ACMG criteria. The KCNT1 gene is associated with Developmental and Epileptic Encephalopathy 14 (OMIM). Data obtained via the RAREBOOST project (Horizon 2020 ERA Chairs at Izmir Biomedicine and Genome Center - IBG)

Revvity Omics, Revvity
Classification: Uncertain significance. Last evaluated: 2023-10-30. Review status: criteria provided, single submitter. Criteria: ACMG Guidelines, 2015. Collection method: clinical testing. Allele origin: germline.

Genome-Nilou Lab
Classification: Uncertain significance for Developmental and epileptic encephalopathy, 14. Last evaluated: 2022-03-15. Review status: criteria provided, single submitter. Criteria: ACMG Guidelines, 2015. Collection method: clinical testing. Allele origin: germline. Affected: no.

Genome-Nilou Lab
Classification: Uncertain significance for Autosomal dominant nocturnal frontal lobe epilepsy 5. Last evaluated: 2022-03-15. Review status: criteria provided, single submitter. Criteria: ACMG Guidelines, 2015. Collection method: clinical testing. Allele origin: germline. Affected: no.

Athena Diagnostics
Classification: Uncertain significance. Last evaluated: 2018-12-11. Review status: criteria provided, single submitter. Criteria: Athena Diagnostics Criteria. Collection method: clinical testing. Allele origin: germline.

NM_020822.3(KCNT1):c.274G>A (p.Val92Ile)

Gene: KCNT1 (potassium sodium-activated channel subfamily T member 1; plus strand). Cytogenetic location: 9q34.3.
Variant type: single nucleotide variant.
Coding change: c.274G>A on transcript NM_020822.3 (MANE Select); coding-DNA position 274, G replaced by A.
Protein change: p.Val92Ile; replaces valine 92 with isoleucine.
Molecular consequence: missense variant.
Genome position (GRCh38, 1-based): chr9:135,750,117, G>A. VCF-style: chr9-135750117-G-A. GRCh37 (hg19) VCF-style: chr9-138641963-G-A.
Other names: c.130G>A, p.Val44Ile (NM_001272003.2); short protein forms V92I, V44I.
Identifiers: ClinVar variation 804967 (VCV000804967.15), dbSNP rs776233220, ClinGen allele CA5326355.
Genomic context (GRCh38, chr9:135,750,117, plus strand): 5'-CCACTGGCCCTGAGCCTCCATGCCCCTCTCTGCTTCTTCAGGGTCCAGGTGGAGTTCTAC[G>A]TCAACGAGAACACCTTCAAGGAGCGGCTCAAGCTGTTCTTCATCAAAAACCAAAGATCGA-3'
Protein context (NP_065873.2, residues 82-102): NDDRVQVEFY[Val92Ile]NENTFKERLK